The following is an entry in ClinVar:

NM_002609.4(PDGFRB):c.2238C>T (p.Asp746=)

Gene: PDGFRB (platelet derived growth factor receptor beta; minus strand). Cytogenetic location: 5q32.
Variant type: single nucleotide variant.
Coding change: c.2238C>T on transcript NM_002609.4 (MANE Select); coding-DNA position 2238, C replaced by T.
Protein change: p.Asp746=; no amino-acid change (aspartic acid 746 retained).
Molecular consequence: synonymous variant.
Genome position (GRCh38, 1-based): chr5:150,121,986, G>A on the plus strand (C>T on the coding strand, the complement: PDGFRB is on the minus strand). VCF-style: chr5-150121986-G-A. GRCh37 (hg19) VCF-style: chr5-149501549-G-A.
Other names: c.2046C>T, p.Asp682= (NM_001355016.2); c.1755C>T, p.Asp585= (NM_001355017.2).
Identifiers: ClinVar variation 736581 (VCV000736581.13), dbSNP rs555800957, ClinGen allele CA3507706.

ClinVar aggregate classification (germline): Likely benign. Review status: criteria provided, single submitter (1 of 4 stars). 2 submissions from 2 submitters: Likely benign (1). 1 of the submissions does not count toward it. Last evaluated 2019-06-07.

Conditions:
PDGFRB-related disorder. Also called: PDGFRB-related condition.
Skeletal overgrowth-craniofacial dysmorphism-hyperelastic skin-white matter lesions syndrome. Also called: SKELETAL OVERGROWTH WITH FACIAL DYSMORPHISM, HYPERELASTIC SKIN, WHITE MATTER LESIONS, AND NEUROLOGIC DETERIORATION; Kosaki overgrowth syndrome. Identifiers: Orphanet 477831, MedGen C4225270, MONDO:0014704, OMIM 616592.
Acroosteolysis-keloid-like lesions-premature aging syndrome. Also called: Premature aging syndrome, Penttinen type; Prematurely aged appearance, delayed bone maturation, acro-osteolysis, and brachydactyly; Progeroid syndrome, Penttinen type. Identifiers: Orphanet 363665, MedGen C1866182, MONDO:0011150, OMIM 601812.
Infantile myofibromatosis (IMF). Also called: Congenital generalized fibromatosis. Identifiers: Orphanet 2591, MedGen C0432284, MONDO:0016824.
Basal ganglia calcification, idiopathic, 4 (PFBC4). Also called: PRIMARY FAMILIAL BRAIN CALCIFICATION 4, AUTOSOMAL DOMINANT; Familial Idiopathic Basal Ganglia Calcification 4. Identifiers: Orphanet 1980, MedGen C3554321, MONDO:0014004, OMIM 615007.

Allele frequency attached by ClinVar (database versions not stated): gnomAD exomes 0.00003 and 0.00004; TOPMed 0.00003; 1000 Genomes Project 0.00040; gnomAD 0.00001 and 0.00003; ExAC 0.00005; 1000 Genomes Project 30x 0.00031.
gnomAD v4.1: 47 of 1,613,620 alleles (0.0029%); highest among the groups gnomAD compares: Middle Eastern, 0.017%; no homozygotes.

Submissions (2):

Labcorp Genetics (formerly Invitae), Labcorp
Classification: Likely benign for Basal ganglia calcification, idiopathic, 4; Skeletal overgrowth-craniofacial dysmorphism-hyperelastic skin-white matter lesions syndrome; Infantile myofibromatosis; Acroosteolysis-keloid-like lesions-premature aging syndrome. Last evaluated: 2019-06-07. Review status: criteria provided, single submitter. Criteria: Invitae Variant Classification Sherloc (09022015). Collection method: clinical testing. Allele origin: germline.

PreventionGenetics, part of Exact Sciences
Classification: Likely benign for PDGFRB-related condition. Last evaluated: 2019-12-04. Review status: no assertion criteria provided. Collection method: clinical testing. Allele origin: germline. Not counted in ClinVar's aggregate classification.
Comment: This variant is classified as likely benign based on ACMG/AMP sequence variant interpretation guidelines (Richards et al. 2015 PMID: 25741868, with internal and published modifications).